The following is an entry in ClinVar:

ClinVar aggregate classification (germline): Uncertain significance (1 of 4 stars; one submission).

Submission:

GeneDx
Classification: Uncertain significance. Last evaluated: 2025-03-24. Review status: criteria provided, single submitter. Criteria: GeneDx Variant Classification Process June 2021. Collection method: clinical testing. Allele origin: germline. Affected: yes.
Comment: Not observed at significant frequency in large population cohorts (gnomAD); In silico analysis supports that this missense variant has a deleterious effect on protein structure/function; Has not been previously published as pathogenic or benign to our knowledge

NM_001184880.2(PCDH19):c.476G>T (p.Gly159Val)

Gene: PCDH19 (protocadherin 19; minus strand). Cytogenetic location: Xq22.1.
Variant type: single nucleotide variant.
Coding change: c.476G>T on transcript NM_001184880.2 (MANE Select); coding-DNA position 476, G replaced by T.
Protein change: p.Gly159Val; replaces glycine 159 with valine.
Molecular consequence: missense variant.
Genome position (GRCh38, 1-based): chrX:100,408,122, C>A on the plus strand (G>T on the coding strand, the complement: PCDH19 is on the minus strand). VCF-style: chrX-100408122-C-A. GRCh37 (hg19) VCF-style: chrX-99663120-C-A.
Other names: c.476G>T, p.Gly159Val (NM_001105243.2, NM_020766.3); short protein forms G159V.
Identifiers: ClinVar variation 4087933 (VCV004087933.1).